The following is an entry in ClinVar:

NM_152618.3(BBS12):c.2061C>T (p.Asp687=)

Gene: BBS12 (Bardet-Biedl syndrome 12; plus strand). Cytogenetic location: 4q27.
Variant type: single nucleotide variant.
Coding change: c.2061C>T on transcript NM_152618.3 (MANE Select); coding-DNA position 2061, C replaced by T.
Protein change: p.Asp687=; no amino-acid change (aspartic acid 687 retained).
Molecular consequence: synonymous variant.
Genome position (GRCh38, 1-based): chr4:122,743,953, C>T. VCF-style: chr4-122743953-C-T. GRCh37 (hg19) VCF-style: chr4-123665108-C-T.
Other names: p.Asp687=; c.2061C>T, p.Asp687= (NM_001178007.2); c.2061C>T (NM_152618.2).
Identifiers: ClinVar variation 3007396 (VCV003007396.5), dbSNP rs2485078903, ClinGen allele CA441108588.

ClinVar aggregate classification (germline): Likely benign. Review status: criteria provided, multiple submitters, no conflicts (2 of 4 stars). 3 submissions from 3 submitters: Likely benign (3). Last evaluated 2026-05-13.

Conditions:
Bardet-Biedl syndrome (BBS). Identifiers: Orphanet 110, MedGen C0752166, MONDO:0015229.
BBS12-related disorder. Also called: BBS12-related condition.

Submissions (3):

PreventionGenetics, part of Exact Sciences
Classification: Likely benign for BBS12-related condition. Last evaluated: 2026-05-13. Review status: criteria provided, single submitter. Criteria: ACMG Guidelines, 2015. Collection method: clinical testing. Allele origin: germline.
Comment: This variant is classified as likely benign based on ACMG/AMP sequence variant interpretation guidelines (Richards et al. 2015 PMID: 25741868, with internal and published modifications).

Mayo Clinic Laboratories, Mayo Clinic
Classification: Likely benign. Last evaluated: 2025-07-23. Review status: criteria provided, single submitter. Criteria: ACMG Guidelines, 2015. Collection method: clinical testing. Allele origin: germline. Observed: 1 variant allele.
Comment: BP4, BP7, PM2_supporting

Labcorp Genetics (formerly Invitae), Labcorp
Classification: Likely benign for Bardet-Biedl syndrome. Last evaluated: 2023-05-20. Review status: criteria provided, single submitter. Criteria: Invitae Variant Classification Sherloc (09022015). Collection method: clinical testing. Allele origin: germline.